The following is an entry in ClinVar:

NM_000326.5(RLBP1):c.506A>C (p.Gln169Pro)

Gene: RLBP1 (retinaldehyde binding protein 1; minus strand). Cytogenetic location: 15q26.1.
Variant type: single nucleotide variant.
Coding change: c.506A>C on transcript NM_000326.5 (MANE Select); coding-DNA position 506, A replaced by C.
Protein change: p.Gln169Pro; replaces glutamine 169 with proline.
Molecular consequence: missense variant.
Genome position (GRCh38, 1-based): chr15:89,215,079, T>G on the plus strand (A>C on the coding strand, the complement: RLBP1 is on the minus strand). VCF-style: chr15-89215079-T-G. GRCh37 (hg19) VCF-style: chr15-89758310-T-G.
Other names: c.506A>C (NM_000326.4); short protein forms Q169P.
Identifiers: ClinVar variation 1910966 (VCV001910966.6), dbSNP rs1458142828, ClinGen allele CA393729559.

ClinVar aggregate classification (germline): Uncertain significance. Review status: criteria provided, multiple submitters, no conflicts (2 of 4 stars). 3 submissions from 3 submitters: Uncertain significance (3). Last evaluated 2025-08-09.

Conditions:
Inborn genetic diseases. Identifiers: MedGen C0950123, MeSH D030342.

Allele frequency attached by ClinVar (database versions not stated): gnomAD exomes 0.00001.
gnomAD v4.1: 9 of 1,614,196 alleles (0.00056%); highest among the groups gnomAD compares: Non-Finnish European, 0.00076%; no homozygotes.

Submissions (3):

Ambry Genetics
Classification: Uncertain significance for Inborn genetic diseases. Last evaluated: 2025-08-09. Review status: criteria provided, single submitter. Criteria: Ambry Variant Classification Scheme 2023. Collection method: clinical testing. Allele origin: germline.

Labcorp Genetics (formerly Invitae), Labcorp
Classification: Uncertain significance. Last evaluated: 2025-03-17. Review status: criteria provided, single submitter. Criteria: Invitae Variant Classification Sherloc (09022015). Collection method: clinical testing. Allele origin: germline.
Comment: This sequence change replaces glutamine, which is neutral and polar, with proline, which is neutral and non-polar, at codon 169 of the RLBP1 protein (p.Gln169Pro). This variant is present in population databases (no rsID available, gnomAD 0.0009%). This variant has not been reported in the literature in individuals affected with RLBP1-related conditions. ClinVar contains an entry for this variant (Variation ID: 1910966). Invitae Evidence Modeling of protein sequence and biophysical properties (such as structural, functional, and spatial information, amino acid conservation, physicochemical variation, residue mobility, and thermodynamic stability) indicates that this missense variant is not expected to disrupt RLBP1 protein function with a negative predictive value of 95%. In summary, the available evidence is currently insufficient to determine the role of this variant in disease. Therefore, it has been classified as a Variant of Uncertain Significance.

Blueprint Genetics
Classification: Uncertain significance. Last evaluated: 2023-09-18. Review status: criteria provided, single submitter. Criteria: ACMG Guidelines, 2015. Collection method: clinical testing. Allele origin: germline.